The following is an entry in ClinVar:

ClinVar aggregate classification (germline): Uncertain significance (1 of 4 stars; one submission).

gnomAD v4.1: 16 of 1,613,352 alleles (0.00099%); highest among the groups gnomAD compares: Non-Finnish European, 0.0014%; no homozygotes.

Submission:

Labcorp Genetics (formerly Invitae), Labcorp
Classification: Uncertain significance. Last evaluated: 2024-08-28. Review status: criteria provided, single submitter. Criteria: Invitae Variant Classification Sherloc (09022015). Collection method: clinical testing. Allele origin: germline.
Comment: This sequence change replaces alanine, which is neutral and non-polar, with proline, which is neutral and non-polar, at codon 1475 of the LAMB1 protein (p.Ala1475Pro). This variant is present in population databases (rs145259999, gnomAD 0.007%). This variant has not been reported in the literature in individuals affected with LAMB1-related conditions. An algorithm developed to predict the effect of missense changes on protein structure and function (PolyPhen-2) suggests that this variant is likely to be disruptive. In summary, the available evidence is currently insufficient to determine the role of this variant in disease. Therefore, it has been classified as a Variant of Uncertain Significance.

NM_002291.3(LAMB1):c.4423G>C (p.Ala1475Pro)

Gene: LAMB1 (laminin subunit beta 1; minus strand). Cytogenetic location: 7q31.1.
Variant type: single nucleotide variant.
Coding change: c.4423G>C on transcript NM_002291.3 (MANE Select); coding-DNA position 4423, G replaced by C.
Protein change: p.Ala1475Pro; replaces alanine 1475 with proline.
Molecular consequence: missense variant.
Genome position (GRCh38, 1-based): chr7:107,931,470, C>G on the plus strand (G>C on the coding strand, the complement: LAMB1 is on the minus strand). VCF-style: chr7-107931470-C-G. GRCh37 (hg19) VCF-style: chr7-107571915-C-G.
Other names: short protein forms A1475P.
Identifiers: ClinVar variation 3718860 (VCV003718860.2).